The following is an entry in ClinVar:

GRCh38/hg38 15q15.3(chr15:43596924-43707912)x1

Genes: CATSPER2 (cation channel sperm associated 2; minus strand), CKMT1A (creatine kinase, mitochondrial 1A; plus strand), CKMT1B (creatine kinase, mitochondrial 1B; plus strand), STRC (stereocilin; minus strand), LOC130056948 (ATAC-STARR-seq lymphoblastoid active region 9316; plus strand) and 1 more. Cytogenetic location: 15q15.3.
Variant type: copy number loss.
Change: copy number 1 (one copy instead of two) of chr15:43,596,924-43,707,912 (111.0 kb, GRCh38 coordinates, 1-based), cytogenetic band 15q15.3.
Identifiers: ClinVar variation 4796347 (VCV004796347.1).

ClinVar aggregate classification (germline): Uncertain significance (1 of 4 stars; one submission).

Submission:

Medical Genetic Center, Changzhi Maternal and Child Health Care Hospital
Classification: Uncertain significance. Last evaluated: 2025-12-10. Review status: criteria provided, single submitter. Criteria: ACMG/ClinGen CNV Guidelines, 2019. Collection method: clinical testing. Allele origin: unknown.
Comment: STRC deletion cariirer